The following is an entry in ClinVar:

ClinVar aggregate classification (germline): Uncertain significance (1 of 4 stars; one submission).

Allele frequency attached by ClinVar (database versions not stated): gnomAD exomes 0.00001; ExAC 0.00005.
gnomAD v4.1: 19 of 1,613,770 alleles (0.0012%); highest among the groups gnomAD compares: South Asian, 0.02%; no homozygotes.

Submission:

Labcorp Genetics (formerly Invitae), Labcorp
Classification: Uncertain significance. Last evaluated: 2024-07-05. Review status: criteria provided, single submitter. Criteria: Invitae Variant Classification Sherloc (09022015). Collection method: clinical testing. Allele origin: germline.
Comment: This sequence change falls in intron 20 of the VAV1 gene. It does not directly change the encoded amino acid sequence of the VAV1 protein. It affects a nucleotide within the consensus splice site. This variant is present in population databases (rs746507744, gnomAD 0.02%). This variant has not been reported in the literature in individuals affected with VAV1-related conditions. ClinVar contains an entry for this variant (Variation ID: 1936502). Variants that disrupt the consensus splice site are a relatively common cause of aberrant splicing (PMID: 17576681, 9536098). Algorithms developed to predict the effect of sequence changes on RNA splicing suggest that this variant is not likely to affect RNA splicing. In summary, the available evidence is currently insufficient to determine the role of this variant in disease. Therefore, it has been classified as a Variant of Uncertain Significance.

Literature cited by the submitters: PubMed 17576681; PubMed 9536098.

NM_005428.4(VAV1):c.1914+4C>T

Gene: VAV1 (vav guanine nucleotide exchange factor 1; plus strand). Cytogenetic location: 19p13.3.
Variant type: single nucleotide variant.
Coding change: c.1914+4C>T on transcript NM_005428.4 (MANE Select); 4 bases into the intron after coding-DNA position 1914, C replaced by T.
Molecular consequence: intron variant.
Genome position (GRCh38, 1-based): chr19:6,836,572, C>T. VCF-style: chr19-6836572-C-T. GRCh37 (hg19) VCF-style: chr19-6836583-C-T.
Other names: c.1914+4C>T (NM_001258206.2); c.1818+4C>T (NM_001258207.2).
Identifiers: ClinVar variation 1936502 (VCV001936502.5), dbSNP rs746507744, ClinGen allele CA9132769.